The following is an entry in ClinVar:

ClinVar aggregate classification (germline): Uncertain significance. Review status: criteria provided, multiple submitters, no conflicts (2 of 4 stars). 2 submissions from 2 submitters: Uncertain significance (2). Last evaluated 2024-12-05.

Conditions:
Cardiovascular phenotype. Identifiers: MedGen CN230736.
Hereditary cancer-predisposing syndrome. Also called: Neoplastic Syndromes, Hereditary; Hereditary Cancer Syndrome; Tumor predisposition; Hereditary neoplastic syndrome. Identifiers: Orphanet 140162, MedGen C0027672, MeSH D009386, MONDO:0015356.
Neurofibromatosis, type 1 (NF1). Also called: Peripheral type neurofibromatosis; VON RECKLINGHAUSEN DISEASE; NEUROFIBROMATOSIS, TYPE I, SOMATIC; Neurofibromatosis, type I. Identifiers: Orphanet 636, MedGen C0027831, MONDO:0018975, OMIM 162200. Disease mechanism: loss of function.

Submissions (2):

Ambry Genetics
Classification: Uncertain significance for Cardiovascular phenotype; Hereditary cancer-predisposing syndrome. Last evaluated: 2024-12-05. Review status: criteria provided, single submitter. Criteria: Ambry Variant Classification Scheme 2023. Collection method: clinical testing. Allele origin: germline.
Comment: The p.E19K variant (also known as c.55G>A), located in coding exon 1 of the NF1 gene, results from a G to A substitution at nucleotide position 55. The glutamic acid at codon 19 is replaced by lysine, an amino acid with similar properties. This amino acid position is highly conserved in available vertebrate species. In addition, this alteration is predicted to be tolerated by in silico analysis. Based on the available evidence, the clinical significance of this variant remains unclear.

Labcorp Genetics (formerly Invitae), Labcorp
Classification: Uncertain significance for Neurofibromatosis, type 1. Last evaluated: 2024-11-14. Review status: criteria provided, single submitter. Criteria: Invitae Variant Classification Sherloc (09022015). Collection method: clinical testing. Allele origin: germline.
Comment: This sequence change replaces glutamic acid, which is acidic and polar, with lysine, which is basic and polar, at codon 19 of the NF1 protein (p.Glu19Lys). This variant is not present in population databases (gnomAD no frequency). This variant has not been reported in the literature in individuals affected with NF1-related conditions. ClinVar contains an entry for this variant (Variation ID: 582267). Invitae Evidence Modeling of protein sequence and biophysical properties (such as structural, functional, and spatial information, amino acid conservation, physicochemical variation, residue mobility, and thermodynamic stability) has been performed for this missense variant. However, the output from this modeling did not meet the statistical confidence thresholds required to predict the impact of this variant on NF1 protein function. In summary, the available evidence is currently insufficient to determine the role of this variant in disease. Therefore, it has been classified as a Variant of Uncertain Significance.

NM_001042492.3(NF1):c.55G>A (p.Glu19Lys)

Genes: MIR4733HG (MIR4733 host gene; minus strand), NF1 (neurofibromin 1; plus strand), LOC111811965 (NF1 (neurofibromin 1) promoter region; plus strand). Cytogenetic location: 17q11.2.
Variant type: single nucleotide variant.
Coding change: c.55G>A on transcript NM_001042492.3 (MANE Select); coding-DNA position 55, G replaced by A.
Protein change: p.Glu19Lys; replaces glutamic acid 19 with lysine.
Molecular consequence: missense variant. On other transcripts: non-coding transcript variant (1).
Genome position (GRCh38, 1-based): chr17:31,095,364, G>A. VCF-style: chr17-31095364-G-A. GRCh37 (hg19) VCF-style: chr17-29422382-G-A.
Other names: c.55G>A, p.Glu19Lys (NM_000267.4, NM_001128147.3); short protein forms E19K.
Identifiers: ClinVar variation 582267 (VCV000582267.11), dbSNP rs786203307, ClinGen allele CA398979412.